The following is an entry in ClinVar:

ClinVar aggregate classification (germline): Likely benign. Review status: criteria provided, single submitter (1 of 4 stars). 2 submissions from 2 submitters: Likely benign (1). 1 of the submissions does not count toward it. Last evaluated 2025-01-15.

Conditions:
Bailey-Bloch congenital myopathy (CMYO13). Also called: Native American myopathy; STAC3 disorder; Congenital myopathy 13. Identifiers: Orphanet 168572, MedGen C1850625, MONDO:0009722, OMIM 255995.
STAC3-related disorder. Also called: STAC3-related condition.

Allele frequency attached by ClinVar (database versions not stated): gnomAD 0.00002; ExAC 0.00007; gnomAD exomes 0.00008.

Submissions (2):

Labcorp Genetics (formerly Invitae), Labcorp
Classification: Likely benign for Bailey-Bloch congenital myopathy. Last evaluated: 2025-01-15. Review status: criteria provided, single submitter. Criteria: Invitae Variant Classification Sherloc (09022015). Collection method: clinical testing. Allele origin: germline.

PreventionGenetics, part of Exact Sciences
Classification: Likely benign for STAC3-related condition. Last evaluated: 2019-05-24. Review status: no assertion criteria provided. Collection method: clinical testing. Allele origin: germline. Not counted in ClinVar's aggregate classification.
Comment: This variant is classified as likely benign based on ACMG/AMP sequence variant interpretation guidelines (Richards et al. 2015 PMID: 25741868, with internal and published modifications).

NM_145064.3(STAC3):c.997-9A>T

Gene: STAC3 (SH3 and cysteine rich domain 3; minus strand). Cytogenetic location: 12q13.3.
Variant type: single nucleotide variant.
Coding change: c.997-9A>T on transcript NM_145064.3 (MANE Select); 9 bases into the intron before coding-DNA position 997, A replaced by T.
Molecular consequence: intron variant.
Genome position (GRCh38, 1-based): chr12:57,243,919, T>A on the plus strand (A>T on the coding strand, the complement: STAC3 is on the minus strand). VCF-style: chr12-57243919-T-A. GRCh37 (hg19) VCF-style: chr12-57637702-T-A.
Other names: c.439-9A>T (NM_001286257.2); c.880-9A>T (NM_001286256.2); c.997-9A>T (NM_145064.2).
Identifiers: ClinVar variation 1149746 (VCV001149746.11), dbSNP rs746464389, ClinGen allele CA6646926.